The following is an entry in ClinVar:

NM_018446.4(GLT8D1):c.330G>A (p.Arg110=)

Gene: GLT8D1 (glycosyltransferase 8 domain containing 1; minus strand). Cytogenetic location: 3p21.1.
Variant type: single nucleotide variant.
Coding change: c.330G>A on transcript NM_018446.4 (MANE Select); coding-DNA position 330, G replaced by A.
Protein change: p.Arg110=; no amino-acid change (arginine 110 retained).
Molecular consequence: synonymous variant.
Genome position (GRCh38, 1-based): chr3:52,696,659, C>T on the plus strand (G>A on the coding strand, the complement: GLT8D1 is on the minus strand). VCF-style: chr3-52696659-C-T. GRCh37 (hg19) VCF-style: chr3-52730675-C-T.
Other names: c.330G>A, p.Arg110= (NM_001010983.3, NM_001278280.2, NM_001278281.2 and 1 more transcripts).
Identifiers: ClinVar variation 5039693 (VCV005039693.1).

ClinVar aggregate classification (germline): Likely benign (1 of 4 stars; one submission).

gnomAD v4.1: 267 of 1,528,018 alleles (0.017%); highest among the groups gnomAD compares: Admixed American, 0.43%; 1 homozygote.

Submission:

CeGaT Center for Human Genetics Tuebingen
Classification: Likely benign. Last evaluated: 2026-08-01. Review status: criteria provided, single submitter. Criteria: CeGaT Center For Human Genetics Tuebingen Variant Classification Criteria Version 2. Collection method: clinical testing. Allele origin: germline. Affected: yes. Observed: 1 variant allele.
Comment: GLT8D1: BP4, BP7